The following is an entry in ClinVar:

NM_001040142.2(SCN2A):c.4359del (p.Phe1453fs)

Gene: SCN2A (sodium voltage-gated channel alpha subunit 2; plus strand). Cytogenetic location: 2q24.3.
Variant type: Deletion.
Coding change: c.4359del on transcript NM_001040142.2 (MANE Select); coding-DNA position 4359, one base deleted (T; older notation c.4359delT).
Protein change: p.Phe1453fs; shifts the reading frame from phenylalanine 1453.
Molecular consequence: frameshift variant.
Genome position (GRCh38, 1-based): chr2:165,380,642, T deleted; the last of 4 consecutive T bases (chr2:165,380,639-165,380,642); deleting any one gives the same sequence. VCF-style (leftmost placement, unchanged base first): chr2-165380638-AT-A. GRCh37 (hg19) VCF-style: chr2-166237148-AT-A.
Other names: c.4359del, p.Phe1453fs (NM_001040143.2, NM_001371246.1, NM_001371247.1 and 1 more transcripts); short protein forms F1453fs.
Identifiers: ClinVar variation 4785728 (VCV004785728.1).
Genomic context (GRCh38, chr2:165,380,638, plus strand): 5'-TTCATATTCTTTAGGTAGAATTACAACCCAAGTATGAAGACAACCTGTACATGTATCTTT[AT>A]TTTGTCATCTTTATTATTTTTGGTTCATTCTTTACCTTGAATCTTTTCATTGGTGTCATC-3'

ClinVar aggregate classification (germline): Pathogenic (1 of 4 stars; one submission).

Conditions:
Developmental and epileptic encephalopathy, 11 (DEE11). Also called: Early infantile epileptic encephalopathy 11. Identifiers: Orphanet 1934, MedGen C3150987, MONDO:0013388, OMIM 613721.
Seizures, benign familial infantile, 3 (BFIS3). Also called: CONVULSIONS, BENIGN FAMILIAL INFANTILE, 3; Familial neonatal seizures. Identifiers: Orphanet 140927, Orphanet 306, MedGen C1843140, MONDO:0011904, OMIM 607745.

Submission:

Labcorp Genetics (formerly Invitae), Labcorp
Classification: Pathogenic for Seizures, benign familial infantile, 3; Developmental and epileptic encephalopathy, 11. Last evaluated: 2025-07-30. Review status: criteria provided, single submitter. Criteria: Invitae Variant Classification Sherloc (09022015). Collection method: clinical testing. Allele origin: germline.
Comment: This sequence change creates a premature translational stop signal (p.Phe1453Leufs*13) in the SCN2A gene. It is expected to result in an absent or disrupted protein product. Loss-of-function variants in SCN2A are known to be pathogenic (PMID: 28379373). This variant is not present in population databases (gnomAD no frequency). This variant has not been reported in the literature in individuals affected with SCN2A-related conditions. Algorithms developed to predict the effect of sequence changes on RNA splicing suggest that this variant may disrupt the consensus splice site. For these reasons, this variant has been classified as Pathogenic.

Literature cited by the submitters: PubMed 28379373.